The following is an entry in ClinVar:

ClinVar aggregate classification (germline): Likely benign (1 of 4 stars; one submission).

Allele frequency attached by ClinVar (database versions not stated): gnomAD 0.00001; gnomAD exomes 0.00001; TOPMed 0.00006.
gnomAD v4.1: 9 of 1,612,756 alleles (0.00056%); highest among the groups gnomAD compares: Admixed American, 0.0083%; 1 homozygote.

Submission:

CeGaT Center for Human Genetics Tuebingen
Classification: Likely benign. Last evaluated: 2025-08-01. Review status: criteria provided, single submitter. Criteria: CeGaT Center For Human Genetics Tuebingen Variant Classification Criteria Version 2. Collection method: clinical testing. Allele origin: germline. Affected: yes. Observed: 2 variant alleles.
Comment: BRPF1: BP4, BP7

NM_001003694.2(BRPF1):c.1170A>G (p.Lys390=)

Gene: BRPF1 (bromodomain and PHD finger containing 1; plus strand). Cytogenetic location: 3p25.3.
Variant type: single nucleotide variant.
Coding change: c.1170A>G on transcript NM_001003694.2 (MANE Select); coding-DNA position 1170, A replaced by G.
Protein change: p.Lys390=; no amino-acid change (lysine 390 retained).
Molecular consequence: synonymous variant. On other transcripts: non-coding transcript variant (1).
Genome position (GRCh38, 1-based): chr3:9,739,569, A>G. VCF-style: chr3-9739569-A-G. GRCh37 (hg19) VCF-style: chr3-9781253-A-G.
Other names: c.1170A>G, p.Lys390= (NM_001319049.2, NM_001319050.2, NM_001410704.1 and 1 more transcripts).
Identifiers: ClinVar variation 3025637 (VCV003025637.22), dbSNP rs937502962, ClinGen allele CA69957050.